The following is an entry in ClinVar:

NM_015047.3(EMC1):c.647C>T (p.Ser216Leu)

Genes: EMC1 (ER membrane protein complex subunit 1; minus strand), EMC1-AS1 (EMC1 antisense RNA 1; plus strand). Cytogenetic location: 1p36.13.
Variant type: single nucleotide variant.
Coding change: c.647C>T on transcript NM_015047.3 (MANE Select); coding-DNA position 647, C replaced by T.
Protein change: p.Ser216Leu; replaces serine 216 with leucine.
Molecular consequence: missense variant. On other transcripts: non-coding transcript variant (1).
Genome position (GRCh38, 1-based): chr1:19,240,436, G>A on the plus strand (C>T on the coding strand, the complement: EMC1 is on the minus strand). VCF-style: chr1-19240436-G-A. GRCh37 (hg19) VCF-style: chr1-19566930-G-A.
Other names: c.647C>T, p.Ser216Leu (NM_001271427.2, NM_001271428.2, NM_001375820.1 and 1 more transcripts); c.581C>T, p.Ser194Leu (NM_001271429.2); c.647C>T (NM_015047.2); short protein forms S216L, S194L.
Identifiers: ClinVar variation 1494044 (VCV001494044.9), dbSNP rs2151958943, ClinGen allele CA338769325.

ClinVar aggregate classification (germline): Uncertain significance. Review status: criteria provided, multiple submitters, no conflicts (2 of 4 stars). 2 submissions from 2 submitters: Uncertain significance (2). Last evaluated 2025-08-15.

gnomAD v4.1: 2 of 1,614,204 alleles (0.00012%); highest among the groups gnomAD compares: African/African-American, 0.0013%; no homozygotes.

Submissions (2):

GeneDx
Classification: Uncertain significance. Last evaluated: 2025-08-15. Review status: criteria provided, single submitter. Criteria: GeneDx Variant Classification Process June 2021. Collection method: clinical testing. Allele origin: germline.
Comment: Not observed at significant frequency in large population cohorts (gnomAD); In silico analysis suggests that this missense variant does not alter protein structure/function; Has not been previously published as pathogenic or benign to our knowledge

Labcorp Genetics (formerly Invitae), Labcorp
Classification: Uncertain significance. Last evaluated: 2023-08-24. Review status: criteria provided, single submitter. Criteria: Invitae Variant Classification Sherloc (09022015). Collection method: clinical testing. Allele origin: germline.
Comment: This variant has not been reported in the literature in individuals affected with EMC1-related conditions. In summary, the available evidence is currently insufficient to determine the role of this variant in disease. Therefore, it has been classified as a Variant of Uncertain Significance. Advanced modeling of protein sequence and biophysical properties (such as structural, functional, and spatial information, amino acid conservation, physicochemical variation, residue mobility, and thermodynamic stability) performed at Invitae indicates that this missense variant is not expected to disrupt EMC1 protein function. This variant is not present in population databases (gnomAD no frequency). This sequence change replaces serine, which is neutral and polar, with leucine, which is neutral and non-polar, at codon 216 of the EMC1 protein (p.Ser216Leu).